The following is an entry in ClinVar:

ClinVar aggregate classification (germline): Likely pathogenic (1 of 4 stars; one submission).

Conditions:
Ciliary dyskinesia, primary, 53 (CILD53). Identifiers: MedGen C5882728, MONDO:0957991, OMIM 620642.

Submission:

3billion
Classification: Likely pathogenic for Ciliary dyskinesia, primary, 53. Last evaluated: 2024-12-19. Review status: criteria provided, single submitter. Criteria: ACMG Guidelines, 2015. Collection method: clinical testing. Allele origin: germline. Affected: yes.
Comment: The variant is not observed in the gnomAD v4.1.0 dataset. Predicted Consequence/Location: Frameshift: predicted to result in a loss or disruption of normal protein function through nonsense-mediated decay (NMD) or protein truncation. Multiple pathogenic variants are reported downstream of the variant. Therefore, this variant is classified as Likely pathogenic according to the recommendation of ACMG/AMP guideline.

NM_024593.4(CLXN):c.8del (p.Arg3fs)

Gene: CLXN (calaxin; minus strand). Cytogenetic location: 8q11.21.
Variant type: Deletion.
Coding change: c.8del on transcript NM_024593.4 (MANE Select); coding-DNA position 8, one base deleted (G; older notation c.8delG).
Protein change: p.Arg3fs; shifts the reading frame from arginine 3.
Molecular consequence: frameshift variant. On other transcripts: non-coding transcript variant (3).
Genome position (GRCh38, 1-based): chr8:48,735,144, C deleted on the plus strand (G on the coding strand, the reverse complement: CLXN is on the minus strand). VCF-style (leftmost placement, unchanged base first): chr8-48735143-GC-G. GRCh37 (hg19) VCF-style: chr8-49647702-GC-G.
Other names: c.8del, p.Arg3fs (NM_001142857.2, NM_001363973.3, NM_001363974.2); short protein forms R3fs.
Identifiers: ClinVar variation 4292941 (VCV004292941.1).
Genomic context (GRCh38, chr8:48,735,143, plus strand): 5'-TTCTTACTTACAATGCTTGCAATTTTTGGTTAAGGTGTCCGTCAGCTTCTGCAGTTTCTT[GC>G]GGTTCATGTCTGGCGCTCAGAGAATCGGGCCGCGGCGGGGGTCTCTGGGCGCGCGGCTAC-3'